The following is an entry in ClinVar:

NM_001130823.3(DNMT1):c.3819C>T (p.Tyr1273=)

Gene: DNMT1 (DNA methyltransferase 1; minus strand). Cytogenetic location: 19p13.2.
Variant type: single nucleotide variant.
Coding change: c.3819C>T on transcript NM_001130823.3 (MANE Select); coding-DNA position 3819, C replaced by T.
Protein change: p.Tyr1273=; no amino-acid change (tyrosine 1273 retained).
Molecular consequence: synonymous variant.
Genome position (GRCh38, 1-based): chr19:10,139,805, G>A on the plus strand (C>T on the coding strand, the complement: DNMT1 is on the minus strand). VCF-style: chr19-10139805-G-A. GRCh37 (hg19) VCF-style: chr19-10250481-G-A.
Other names: c.3771C>T, p.Tyr1257= (NM_001318730.2, NM_001379.4); c.3456C>T, p.Tyr1152= (NM_001318731.2).
Identifiers: ClinVar variation 3049891 (VCV003049891.2), dbSNP rs2513777869, ClinGen allele CA505381081.
Genomic context (GRCh38, chr19:10,139,805, plus strand): 5'-GGAGCGCTTGAAGGAGACAAAGTTCCTGACATTCTCCAGGAGGAAGAACCGGGGCCGGTA[G>A]TAGTCGCAGTAGCTGTAGGGGGCAGGAGAGACTGCAGGAGTCACCTCCACAGACAGAGGG-3'
Protein context (NP_001124295.1, residues 1263-1283): LVVSFLSYCD[Tyr1273=]YRPRFFLLEN

ClinVar aggregate classification (germline): Likely benign (0 of 4 stars; one submission).

Conditions:
DNMT1-related disorder. Also called: DNMT1-related condition. Identifiers: MedGen CN381527.

Submission:

PreventionGenetics, part of Exact Sciences
Classification: Likely benign for DNMT1-related condition. Last evaluated: 2022-05-03. Review status: no assertion criteria provided. Collection method: clinical testing. Allele origin: germline.
Comment: This variant is classified as likely benign based on ACMG/AMP sequence variant interpretation guidelines (Richards et al. 2015 PMID: 25741868, with internal and published modifications).